The following is an entry in ClinVar:

ClinVar aggregate classification (germline): Benign (1 of 4 stars; one submission).

Submission:

Unidad de Genómica Garrahan, Hospital de Pediatría Garrahan
Classification: Benign. Last evaluated: 2023-11-14. Review status: criteria provided, single submitter. Criteria: ACMG Guidelines, 2015. Collection method: clinical testing. Allele origin: germline. Affected: no. Observed: 87 variant alleles.
Comment: This variant is classified as Benign based on local population frequency. This variant was detected in 91% of patients studied by a panel of primary immunodeficiencies. Number of patients: 87. Only high quality variants are reported.

NC_000001.11:g.1014545C>T

Variant type: single nucleotide variant.
Genome position: GRCh38 VCF-style: chr1-1014545-C-T. GRCh37 (hg19) VCF-style: chr1-949925-C-T.
Identifiers: ClinVar variation 2637890 (VCV002637890.2), dbSNP rs2799070, ClinGen allele CA10897245.
Genomic context (GRCh38, chr1:1,014,545, plus strand): 5'-CCACCAGCATCCGAGCAGGATCAAGGGCCGGAAATAAAGGCTGTTGTAAAGAGAAATGGC[C>T]GCCTCTGTGTCTGTGCTTGCCCCTCCTCCAGCGTCCGCCTCAGACCCCTGGTGATGGGGC-3'